The following is an entry in ClinVar:

NM_032608.7(MYO18B):c.5734G>T (p.Asp1912Tyr)

Gene: MYO18B (myosin XVIIIB; plus strand). Cytogenetic location: 22q12.1.
Variant type: single nucleotide variant.
Coding change: c.5734G>T on transcript NM_032608.7 (MANE Select); coding-DNA position 5734, G replaced by T.
Protein change: p.Asp1912Tyr; replaces aspartic acid 1912 with tyrosine.
Molecular consequence: missense variant.
Genome position (GRCh38, 1-based): chr22:25,947,814, G>T. VCF-style: chr22-25947814-G-T. GRCh37 (hg19) VCF-style: chr22-26343780-G-T.
Other names: c.5737G>T, p.Asp1913Tyr (NM_001318245.2); short protein forms D1913Y, D1912Y.
Identifiers: ClinVar variation 3648693 (VCV003648693.2).

ClinVar aggregate classification (germline): Uncertain significance (1 of 4 stars; one submission).

Submission:

Labcorp Genetics (formerly Invitae), Labcorp
Classification: Uncertain significance. Last evaluated: 2024-05-23. Review status: criteria provided, single submitter. Criteria: Invitae Variant Classification Sherloc (09022015). Collection method: clinical testing. Allele origin: germline.
Comment: This sequence change replaces aspartic acid, which is acidic and polar, with tyrosine, which is neutral and polar, at codon 1912 of the MYO18B protein (p.Asp1912Tyr). This variant is not present in population databases (gnomAD no frequency). This variant has not been reported in the literature in individuals affected with MYO18B-related conditions. An algorithm developed to predict the effect of missense changes on protein structure and function (PolyPhen-2) suggests that this variant is likely to be disruptive. In summary, the available evidence is currently insufficient to determine the role of this variant in disease. Therefore, it has been classified as a Variant of Uncertain Significance.